The following is an entry in ClinVar:

NM_031935.3(HMCN1):c.12805G>A (p.Val4269Met)

Gene: HMCN1 (hemicentin 1; plus strand). Cytogenetic location: 1q31.1.
Variant type: single nucleotide variant.
Coding change: c.12805G>A on transcript NM_031935.3 (MANE Select); coding-DNA position 12805, G replaced by A.
Protein change: p.Val4269Met; replaces valine 4269 with methionine.
Molecular consequence: missense variant.
Genome position (GRCh38, 1-based): chr1:186,128,192, G>A. VCF-style: chr1-186128192-G-A. GRCh37 (hg19) VCF-style: chr1-186097324-G-A.
Other names: short protein forms V4269M.
Identifiers: ClinVar variation 2880477 (VCV002880477.3), dbSNP rs781660732, ClinGen allele CA1294465.

ClinVar aggregate classification (germline): Uncertain significance (1 of 4 stars; one submission).

Allele frequency attached by ClinVar (database versions not stated): gnomAD exomes 0.00001; ExAC 0.00002; TOPMed 0.00002.
gnomAD v4.1: 9 of 1,613,636 alleles (0.00056%); highest among the groups gnomAD compares: African/African-American, 0.0027%; no homozygotes.

Submission:

Labcorp Genetics (formerly Invitae), Labcorp
Classification: Uncertain significance. Last evaluated: 2024-11-13. Review status: criteria provided, single submitter. Criteria: Invitae Variant Classification Sherloc (09022015). Collection method: clinical testing. Allele origin: germline.
Comment: This sequence change replaces valine, which is neutral and non-polar, with methionine, which is neutral and non-polar, at codon 4269 of the HMCN1 protein (p.Val4269Met). This variant is present in population databases (rs781660732, gnomAD 0.01%). This variant has not been reported in the literature in individuals affected with HMCN1-related conditions. ClinVar contains an entry for this variant (Variation ID: 2880477). An algorithm developed to predict the effect of missense changes on protein structure and function (PolyPhen-2) suggests that this variant is likely to be disruptive. In summary, the available evidence is currently insufficient to determine the role of this variant in disease. Therefore, it has been classified as a Variant of Uncertain Significance.